The following is an entry in ClinVar:

NM_182641.4(BPTF):c.8024C>T (p.Pro2675Leu)

Gene: BPTF (bromodomain PHD finger transcription factor; plus strand). Cytogenetic location: 17q24.2.
Variant type: single nucleotide variant.
Coding change: c.8024C>T on transcript NM_182641.4 (MANE Select); coding-DNA position 8024, C replaced by T.
Protein change: p.Pro2675Leu; replaces proline 2675 with leucine.
Molecular consequence: missense variant.
Genome position (GRCh38, 1-based): chr17:67,959,638, C>T. VCF-style: chr17-67959638-C-T. GRCh37 (hg19) VCF-style: chr17-65955754-C-T.
Other names: c.8213C>T, p.Pro2738Leu (NM_001439139.1); c.7973C>T, p.Pro2658Leu (NM_001439140.1, NM_001439142.1, NM_004459.7); c.7946C>T, p.Pro2649Leu (NM_001439141.1); c.7784C>T, p.Pro2595Leu (NM_001439143.1, NM_001439144.1); short protein forms P2595L, P2675L, P2649L, P2738L, P2658L.
Identifiers: ClinVar variation 4795484 (VCV004795484.1).

ClinVar aggregate classification (germline): Uncertain significance (1 of 4 stars; one submission).

Submission:

GeneDx
Classification: Uncertain significance. Last evaluated: 2025-08-15. Review status: criteria provided, single submitter. Criteria: GeneDx Variant Classification Process June 2021. Collection method: clinical testing. Allele origin: germline. Affected: yes.
Comment: Not observed at significant frequency in large population cohorts (gnomAD); In silico analysis suggests that this missense variant does not alter protein structure/function; Has not been previously published as pathogenic or benign to our knowledge